The following is an entry in ClinVar:

NM_022336.4(EDAR):c.1199G>C (p.Arg400Pro)

Genes: EDAR (ectodysplasin A receptor; minus strand), RANBP2 (RAN binding protein 2; plus strand). Cytogenetic location: 2q13.
Variant type: single nucleotide variant.
Coding change: c.1199G>C on transcript NM_022336.4 (MANE Select); coding-DNA position 1199, G replaced by C.
Protein change: p.Arg400Pro; replaces arginine 400 with proline.
Molecular consequence: missense variant.
Genome position (GRCh38, 1-based): chr2:108,897,055, C>G on the plus strand (G>C on the coding strand, the complement: EDAR is on the minus strand). VCF-style: chr2-108897055-C-G. GRCh37 (hg19) VCF-style: chr2-109513511-C-G.
Other names: short protein forms R400P.
Identifiers: ClinVar variation 2949319 (VCV002949319.4), dbSNP rs751763234, ClinGen allele CA348048006.

ClinVar aggregate classification (germline): Conflicting classifications of pathogenicity. Review status: criteria provided, conflicting classifications (1 of 4 stars). 2 submissions from 2 submitters: Likely pathogenic (1); Uncertain significance (1). Last evaluated 2026-06-05.

Conditions:
Ectodermal dysplasia 10A, hypohidrotic/hair/nail type, autosomal dominant (ECTD10A). Also called: Ectodermal Dysplasia 3, Anhidrotic. Identifiers: Orphanet 1810, Orphanet 238468, MedGen C3888065, MONDO:0007509, OMIM 129490.
Autosomal recessive hypohidrotic ectodermal dysplasia syndrome. Also called: Autosomal recessive hypohidrotic ectodermal dysplasia. Identifiers: Orphanet 248, MedGen C0406702, MONDO:0016619.

Submissions (2):

Lupski Lab, Baylor-Hopkins CMG, Baylor College of Medicine
Classification: Likely pathogenic for Ectodermal dysplasia 10A, hypohidrotic/hair/nail type, autosomal dominant. Last evaluated: 2026-06-05. Review status: criteria provided, single submitter. Criteria: ACMG Guidelines, 2015. Collection method: research. Allele origin: maternal, paternal, germline. Inheritance: Autosomal dominant inheritance. Affected: yes. Observed: 4 variant alleles, 4 heterozygotes. Segregation with disease observed.
Comment: This c.1199G>C(p.Arg400Pro) variant segregates with Ectodermal dysplasia 10A, hypohidrotic/hair/nail type, autosomal dominant, across 4 generations (PP1_Supporting =+1pt). Varsome states that this variant is located within a hot-spot length of 17 amino acids that has 20 missense/in-frame variants (14 pathogenic, 6 VUS, no benign), which qualifies as moderate pathogenic, and UniProt is in agreement (Death Domain) (PM1_Moderate =+2pts). This variant is absent in gnomAD (PM2_Supporting =+1pt). This variant has an AlphaMissense score of 0.999 (PP3_Moderate =+2pts). 6 pts (PP1 +1, PM1 +2, PM2 +1, PP3 +2).

Labcorp Genetics (formerly Invitae), Labcorp
Classification: Uncertain significance for Ectodermal dysplasia 10A, hypohidrotic/hair/nail type, autosomal dominant; Autosomal recessive hypohidrotic ectodermal dysplasia syndrome. Last evaluated: 2024-10-12. Review status: criteria provided, single submitter. Criteria: Invitae Variant Classification Sherloc (09022015). Collection method: clinical testing. Allele origin: germline.
Comment: This sequence change replaces arginine, which is basic and polar, with proline, which is neutral and non-polar, at codon 400 of the EDAR protein (p.Arg400Pro). This variant is not present in population databases (gnomAD no frequency). This variant has not been reported in the literature in individuals affected with EDAR-related conditions. Invitae Evidence Modeling of protein sequence and biophysical properties (such as structural, functional, and spatial information, amino acid conservation, physicochemical variation, residue mobility, and thermodynamic stability) indicates that this missense variant is expected to disrupt EDAR protein function with a positive predictive value of 80%. In summary, the available evidence is currently insufficient to determine the role of this variant in disease. Therefore, it has been classified as a Variant of Uncertain Significance.